The following is an entry in ClinVar:

ClinVar aggregate classification (germline): Uncertain significance (1 of 4 stars; one submission).

Conditions:
Neurodevelopmental disorder with severe motor impairment and absent language. Also called: NEURODEVELOPMENTAL DISORDER WITH VARIABLE MOTOR AND LANGUAGE IMPAIRMENT. Identifiers: Orphanet 647788, MedGen C4540496, MONDO:0060622, OMIM 617804.

Submission:

Dasa
Classification: Uncertain significance for Neurodevelopmental disorder with severe motor impairment and absent language. Last evaluated: 2025-12-11. Review status: criteria provided, single submitter. Criteria: DASA Assertion Criteria. Collection method: clinical testing. Allele origin: germline.
Comment: NM_138615.3(DHX30):c.1286A>G (p.Gln429Arg) is a missense variant that results in the substitution of glutamine with arginine. This variant is absent from population databases. Computational prediction algorithms are consistent with a benign effect. The currently available literature and clinical evidence are not sufficient to establish a definitive association between this variant and the reported condition. Therefore, this variant is classified as a variant of uncertain significance.

NM_138615.3(DHX30):c.1286A>G (p.Gln429Arg)

Gene: DHX30 (DExH-box helicase 30; plus strand). Cytogenetic location: 3p21.31.
Variant type: single nucleotide variant.
Coding change: c.1286A>G on transcript NM_138615.3 (MANE Select); coding-DNA position 1286, A replaced by G.
Protein change: p.Gln429Arg; replaces glutamine 429 with arginine.
Molecular consequence: missense variant.
Genome position (GRCh38, 1-based): chr3:47,846,358, A>G. VCF-style: chr3-47846358-A-G. GRCh37 (hg19) VCF-style: chr3-47887848-A-G.
Other names: c.1202A>G, p.Gln401Arg (NM_001330990.2); c.1169A>G, p.Gln390Arg (NM_014966.4); short protein forms Q390R, Q401R, Q429R.
Identifiers: ClinVar variation 4882172 (VCV004882172.2).
Genomic context (GRCh38, chr3:47,846,358, plus strand): 5'-AGGAGGTACGTCTCAGCCAGAGTCTGCTAGAACTGTGGCGGCGGCGAGGGCCGGTCTGGC[A>G]GGAGGCCCCCCAGCTACCTGTGGACCCACATCGGGACACCATCCTCAACGCCATTGAGCA-3'
Protein context (NP_619520.1, residues 419-439): ELWRRRGPVW[Gln429Arg]EAPQLPVDPH